The following is an entry in ClinVar:

ClinVar aggregate classification (germline): Uncertain significance. Review status: criteria provided, multiple submitters, no conflicts (2 of 4 stars). 3 submissions from 3 submitters: Uncertain significance (3). Last evaluated 2025-09-25.

Conditions:
Inborn genetic diseases. Identifiers: MedGen C0950123, MeSH D030342.

Allele frequency attached by ClinVar (database versions not stated): gnomAD 0.00006 and 0.00008; TOPMed 0.00011; gnomAD exomes below 0.00001.
gnomAD v4.1: 21 of 1,599,756 alleles (0.0013%); highest among the groups gnomAD compares: African/African-American, 0.017%; no homozygotes.

Submissions (3):

Ambry Genetics
Classification: Uncertain significance for Inborn genetic diseases. Last evaluated: 2025-09-25. Review status: criteria provided, single submitter. Criteria: Ambry Variant Classification Scheme 2023. Collection method: clinical testing. Allele origin: germline.

Labcorp Genetics (formerly Invitae), Labcorp
Classification: Uncertain significance. Last evaluated: 2024-01-02. Review status: criteria provided, single submitter. Criteria: Invitae Variant Classification Sherloc (09022015). Collection method: clinical testing. Allele origin: germline.
Comment: This sequence change replaces arginine, which is basic and polar, with leucine, which is neutral and non-polar, at codon 213 of the TJP2 protein (p.Arg213Leu). The frequency data for this variant in the population databases is considered unreliable, as metrics indicate poor data quality at this position in the gnomAD database. This variant has not been reported in the literature in individuals affected with TJP2-related conditions. ClinVar contains an entry for this variant (Variation ID: 1214663). An algorithm developed to predict the effect of missense changes on protein structure and function (PolyPhen-2) suggests that this variant is likely to be disruptive. In summary, the available evidence is currently insufficient to determine the role of this variant in disease. Therefore, it has been classified as a Variant of Uncertain Significance.

GeneDx
Classification: Uncertain significance. Last evaluated: 2023-09-06. Review status: criteria provided, single submitter. Criteria: GeneDx Variant Classification Process June 2021. Collection method: clinical testing. Allele origin: germline. Affected: yes.
Comment: In silico analysis supports that this missense variant has a deleterious effect on protein structure/function; Has not been previously published as pathogenic or benign to our knowledge

NM_004817.4(TJP2):c.638G>T (p.Arg213Leu)

Gene: TJP2 (tight junction protein 2; plus strand). Cytogenetic location: 9q21.11.
Variant type: single nucleotide variant.
Coding change: c.638G>T on transcript NM_004817.4 (MANE Select); coding-DNA position 638, G replaced by T.
Protein change: p.Arg213Leu; replaces arginine 213 with leucine.
Molecular consequence: missense variant.
Genome position (GRCh38, 1-based): chr9:69,221,182, G>T. VCF-style: chr9-69221182-G-T. GRCh37 (hg19) VCF-style: chr9-71836098-G-T.
Other names: c.569G>T, p.Arg190Leu (NM_001170414.2, NM_001369870.1, NM_001369871.1); c.650G>T, p.Arg217Leu (NM_001170415.1, NM_001369874.1, NM_001369875.1); c.731G>T, p.Arg244Leu (NM_001170416.2); c.638G>T, p.Arg213Leu (NM_001369872.1, NM_001369873.1, NM_201629.3); short protein forms R190L, R213L, R217L, R244L.
Identifiers: ClinVar variation 1214663 (VCV001214663.10), dbSNP rs775377668, ClinGen allele CA193353347.